The following is an entry in ClinVar:

NM_004168.4(SDHA):c.63+3G>A

Gene: SDHA (succinate dehydrogenase complex flavoprotein subunit A; plus strand). Cytogenetic location: 5p15.33.
Variant type: single nucleotide variant.
Coding change: c.63+3G>A on transcript NM_004168.4 (MANE Select); 3 bases into the intron after coding-DNA position 63, G replaced by A.
Molecular consequence: intron variant.
Genome position (GRCh38, 1-based): chr5:218,421, G>A. VCF-style: chr5-218421-G-A. GRCh37 (hg19) VCF-style: chr5-218536-G-A.
Other names: c.63+3G>A (NM_001330758.2, NM_001294332.2).
Identifiers: ClinVar variation 2939598 (VCV002939598.3), dbSNP rs2126522872, ClinGen allele CA2578252894.

ClinVar aggregate classification (germline): Uncertain significance (1 of 4 stars; one submission).

Conditions:
Mitochondrial complex II deficiency, nuclear type 1. Also called: SUCCINATE CoQ REDUCTASE DEFICIENCY. Identifiers: Orphanet 3208, MedGen C5700310, MONDO:0100294, OMIM 252011.
Pheochromocytoma/paraganglioma syndrome 5. Also called: Paragangliomas 5; SDHA-Related Hereditary Paraganglioma-Pheochromocytoma Syndrome. Identifiers: Orphanet 29072, MedGen C3279992, MONDO:0013602, OMIM 614165.

Submission:

Labcorp Genetics (formerly Invitae), Labcorp
Classification: Uncertain significance for Pheochromocytoma/paraganglioma syndrome 5; Mitochondrial complex II deficiency, nuclear type 1. Last evaluated: 2023-04-14. Review status: criteria provided, single submitter. Criteria: Invitae Variant Classification Sherloc (09022015). Collection method: clinical testing. Allele origin: germline.
Comment: In summary, the available evidence is currently insufficient to determine the role of this variant in disease. Therefore, it has been classified as a Variant of Uncertain Significance. Variants that disrupt the consensus splice site are a relatively common cause of aberrant splicing (PMID: 17576681, 9536098). Algorithms developed to predict the effect of sequence changes on RNA splicing suggest that this variant is not likely to affect RNA splicing. This variant has not been reported in the literature in individuals affected with SDHA-related conditions. This variant is not present in population databases (gnomAD no frequency). This sequence change falls in intron 1 of the SDHA gene. It does not directly change the encoded amino acid sequence of the SDHA protein. It affects a nucleotide within the consensus splice site.

Literature cited by the submitters: PubMed 17576681; PubMed 9536098.